The following is an entry in ClinVar:

NM_153252.5(BRWD3):c.3119del (p.Tyr1040fs)

Gene: BRWD3 (bromodomain and WD repeat domain containing 3; minus strand). Cytogenetic location: Xq21.1.
Variant type: Deletion.
Coding change: c.3119del on transcript NM_153252.5 (MANE Select); coding-DNA position 3119, one base deleted (A; older notation c.3119delA).
Protein change: p.Tyr1040fs; shifts the reading frame from tyrosine 1040.
Molecular consequence: frameshift variant.
Genome position (GRCh38, 1-based): chrX:80,695,940, T deleted on the plus strand (A on the coding strand, the reverse complement: BRWD3 is on the minus strand). VCF-style (leftmost placement, unchanged base first): chrX-80695939-AT-A. GRCh37 (hg19) VCF-style: chrX-79951438-AT-A.
Other names: c.2969del, p.Tyr990fs (NM_001441339.1); short protein forms Y1040fs, Y990fs.
Identifiers: ClinVar variation 4531357 (VCV004531357.1).
Genomic context (GRCh38, chrX:80,695,939, plus strand): 5'-TAGTTATTAAACAACAATTCTATATTTACCAATCTGCCAGTTCCTTTCTTTGGCTTCATT[AT>A]AAAACTGATGTAGCACAAGGAAGTCAATGACATCCGGCATGTCATGATACCTATACAGAA-3'

ClinVar aggregate classification (germline): Pathogenic (1 of 4 stars; one submission).

Conditions:
Intellectual developmental disorder, X-linked 93. Also called: MENTAL RETARDATION, X-LINKED, WITH MACROCEPHALY; Intellectual disability, X-linked 93. Identifiers: MedGen C1970841, MONDO:0010393, OMIM 300659.

Submission:

Victorian Clinical Genetics Services, Murdoch Childrens Research Institute
Classification: Pathogenic for Intellectual developmental disorder, X-linked 93. Last evaluated: 2025-11-18. Review status: criteria provided, single submitter. Criteria: ACMG Guidelines, 2015. Collection method: clinical testing. Allele origin: germline. Affected: yes.
Comment: This variant is classified as Pathogenic. Evidence in support of pathogenic classification: Variant is predicted to cause nonsense-mediated decay (NMD) and loss of protein (premature termination codon is located at least 54 nucleotides upstream of the final exon-exon junction); Variant is absent from gnomAD (v2, v3 and v4); Other NMD-predicted variant(s) comparable to the one identified in this case have very strong previous evidence for pathogenicity (DECIPHER); Additional information: This variant is heterozygous; This gene is associated with X-linked disease. Affected heterozygous females have been reported (PMID: 17668385, 36514184, 36414205); Loss of function is a known mechanism of disease in this gene and is associated with intellectual developmental disorder, X-linked 93 (MIM#300659).

Literature cited by the submitters: PubMed 36514184; PubMed 36414205; PubMed 17668385.